The following is an entry in ClinVar:

NM_023110.3(FGFR1):c.617A>G (p.Tyr206Cys)

Gene: FGFR1 (fibroblast growth factor receptor 1; minus strand). Cytogenetic location: 8p11.23.
Variant type: single nucleotide variant.
Coding change: c.617A>G on transcript NM_023110.3 (MANE Select); coding-DNA position 617, A replaced by G.
Protein change: p.Tyr206Cys; replaces tyrosine 206 with cysteine.
Molecular consequence: missense variant.
Genome position (GRCh38, 1-based): chr8:38,427,925, T>C on the plus strand (A>G on the coding strand, the complement: FGFR1 is on the minus strand). VCF-style: chr8-38427925-T-C. GRCh37 (hg19) VCF-style: chr8-38285443-T-C.
Other names: c.617A>G, p.Tyr206Cys (NM_000604.2, NM_001174063.2); c.593A>G, p.Tyr198Cys (NM_001174064.2); c.611A>G, p.Tyr204Cys (NM_001174065.2, NM_001354367.2, NM_001354369.2 and 2 more transcripts); c.350A>G, p.Tyr117Cys (NM_001174066.2, NM_023105.3); c.710A>G, p.Tyr237Cys (NM_001174067.2); c.344A>G, p.Tyr115Cys (NM_001354368.2, NM_001354370.2, NM_023106.3); short protein forms Y206C, Y237C, Y115C, Y204C, Y117C, Y198C.
Identifiers: ClinVar variation 2078064 (VCV002078064.5), dbSNP rs2150909519, ClinGen allele CA370735505.

ClinVar aggregate classification (germline): Uncertain significance. Review status: criteria provided, multiple submitters, no conflicts (2 of 4 stars). 2 submissions from 2 submitters: Uncertain significance (2). Last evaluated 2026-09-10.

Conditions:
Pfeiffer syndrome (ACS5). Also called: ACS V. Identifiers: Orphanet 710, MedGen C0220658, MONDO:0007043, OMIM 101600.
Hypogonadotropic hypogonadism 2 with or without anosmia (HH2). Also called: FGFR1-Related GnRH Deficiency (Kallmann Syndrome 2); HYPOGONADOTROPIC HYPOGONADISM 2 WITHOUT ANOSMIA; HYPOGONADOTROPIC HYPOGONADISM 2 WITH OR WITHOUT ANOSMIA, SUSCEPTIBILITY TO; HYPOGONADOTROPIC HYPOGONADISM 2 WITHOUT ANOSMIA, SUSCEPTIBILITY TO. Identifiers: Orphanet 478, MedGen C1563720, MONDO:0007844, OMIM 147950. Disease mechanism: loss of function.

Allele frequency attached by ClinVar (database versions not stated): gnomAD exomes below 0.00001.
gnomAD v4.1: 1 of 1,614,290 alleles (0.000062%); highest among the groups gnomAD compares: Non-Finnish European, 0.000085%; no homozygotes.

Submissions (2):

GeneDx
Classification: Uncertain significance. Last evaluated: 2026-09-10. Review status: criteria provided, single submitter. Criteria: GeneDx Variant Classification Process June 2021. Collection method: clinical testing. Allele origin: germline.
Comment: Not observed at significant frequency in large population cohorts (gnomAD); In silico analysis supports that this missense variant has a deleterious effect on protein structure/function; Has not been previously published as pathogenic or benign to our knowledge

Labcorp Genetics (formerly Invitae), Labcorp
Classification: Uncertain significance for Pfeiffer syndrome; Hypogonadotropic hypogonadism 2 with or without anosmia. Last evaluated: 2022-08-16. Review status: criteria provided, single submitter. Criteria: Invitae Variant Classification Sherloc (09022015). Collection method: clinical testing. Allele origin: germline.
Comment: In summary, the available evidence is currently insufficient to determine the role of this variant in disease. Therefore, it has been classified as a Variant of Uncertain Significance. Algorithms developed to predict the effect of missense changes on protein structure and function (SIFT, PolyPhen-2, Align-GVGD) all suggest that this variant is likely to be disruptive. This variant has not been reported in the literature in individuals affected with FGFR1-related conditions. This variant is not present in population databases (gnomAD no frequency). This sequence change replaces tyrosine, which is neutral and polar, with cysteine, which is neutral and slightly polar, at codon 206 of the FGFR1 protein (p.Tyr206Cys).